The following is an entry in ClinVar:

NM_000070.3(CAPN3):c.379+5G>T

Gene: CAPN3 (calpain 3; plus strand). Cytogenetic location: 15q15.1.
Variant type: single nucleotide variant.
Coding change: c.379+5G>T on transcript NM_000070.3 (MANE Select); 5 bases into the intron after coding-DNA position 379, G replaced by T.
Molecular consequence: intron variant.
Genome position (GRCh38, 1-based): chr15:42,384,557, G>T. VCF-style: chr15-42384557-G-T. GRCh37 (hg19) VCF-style: chr15-42676755-G-T.
Other names: c.379+5G>T (NM_024344.2, NM_173087.2).
Identifiers: ClinVar variation 283755 (VCV000283755.52), dbSNP rs886042704, ClinGen allele CA10604585.
Genomic context (GRCh38, chr15:42,384,557, plus strand): 5'-TCCCCGATTTATCATTGATGGAGCCAACAGAACTGACATCTGTCAAGGAGAGCTAGGTAG[G>T]AAAGTGCCTCAGGTCAGATCCTGCCAGATGATCAAGGGGTGATTACAAGGTGTGATCCCC-3'

ClinVar aggregate classification (germline): Uncertain significance. Review status: criteria provided, multiple submitters, no conflicts (2 of 4 stars). 3 submissions from 3 submitters: Uncertain significance (3). Last evaluated 2021-04-01.

Conditions:
Autosomal recessive limb-girdle muscular dystrophy type 2A (LGMDR1). Also called: Muscular dystrophy, limb-girdle, type 2A, Amish; LEYDEN-MOEBIUS MUSCULAR DYSTROPHY; MUSCULAR DYSTROPHY, PELVOFEMORAL; Limb-girdle muscular dystrophy, type 2A; Calpainopathy. Identifiers: Orphanet 267, MedGen C1869123, MONDO:0009675, OMIM 253600. Disease mechanism: loss of function.

Allele frequency attached by ClinVar (database versions not stated): gnomAD exomes below 0.00001.
gnomAD v4.1: 1 of 1,608,898 alleles (0.000062%); highest among the groups gnomAD compares: Non-Finnish European, 0.000085%; no homozygotes.

Submissions (3):

CeGaT Center for Human Genetics Tuebingen
Classification: Uncertain significance. Last evaluated: 2021-04-01. Review status: criteria provided, single submitter. Criteria: CeGaT Center For Human Genetics Tuebingen Variant Classification Criteria Version 2. Collection method: clinical testing. Allele origin: germline. Affected: yes. Observed: 3 variant alleles.

Labcorp Genetics (formerly Invitae), Labcorp
Classification: Uncertain significance for Autosomal recessive limb-girdle muscular dystrophy type 2A. Last evaluated: 2021-03-23. Review status: criteria provided, single submitter. Criteria: Invitae Variant Classification Sherloc (09022015). Collection method: clinical testing. Allele origin: germline.
Comment: This variant has been observed in individual(s) with clinical features of autosomal recessive limb-girdle muscular dystrophy (Invitae). ClinVar contains an entry for this variant (Variation ID: 283755). In summary, the available evidence is currently insufficient to determine the role of this variant in disease. Therefore, it has been classified as a Variant of Uncertain Significance. Nucleotide substitutions within the consensus splice site are a relatively common cause of aberrant splicing (PMID: 17576681, 9536098). Algorithms developed to predict the effect of sequence changes on RNA splicing suggest that this variant may disrupt the consensus splice site, but this prediction has not been confirmed by published transcriptional studies. This variant is not present in population databases (ExAC no frequency). This sequence change falls in intron 2 of the CAPN3 gene. It does not directly change the encoded amino acid sequence of the CAPN3 protein. It affects a nucleotide within the consensus splice site of the intron.

Eurofins Ntd Llc (ga)
Classification: Uncertain significance. Last evaluated: 2015-11-06. Review status: criteria provided, single submitter. Criteria: EGL Classification Definitions 2015. Collection method: clinical testing. Allele origin: germline. Observed: 1 variant allele, 1 heterozygote.

Literature cited by the submitters: PubMed 17576681 (cited by Labcorp Genetics (formerly Invitae), Labcorp); PubMed 9536098 (cited by Labcorp Genetics (formerly Invitae), Labcorp).